The following is an entry in ClinVar:

NM_000346.4(SOX9):c.43_45del (p.Glu15del)

Genes: SOX9 (SRY-box transcription factor 9; plus strand), LOC108021846 (SOX9 promoter region; plus strand). Cytogenetic location: 17q24.3.
Variant type: Deletion.
Coding change: c.43_45del on transcript NM_000346.4 (MANE Select); coding-DNA positions 43 to 45, 3 bases deleted (GAG; older notation c.43_45delGAG).
Protein change: p.Glu15del; deletes glutamic acid 15.
Genome position (GRCh38, 1-based): chr17:72,121,434-72,121,436, GAG deleted; deleting any 3 consecutive bases within chr17:72,121,432-72,121,436 gives the same sequence; the c. name uses the placement nearest the transcript's 3' end. VCF-style (leftmost placement, unchanged base first): chr17-72121431-CAGG-C. GRCh37 (hg19) VCF-style: chr17-70117572-CAGG-C.
Other names: short protein forms E15del.
Identifiers: ClinVar variation 3900111 (VCV003900111.1).
Genomic context (GRCh38, chr17:72,121,431, plus strand): 5'-CCCCCTGCCCCGGGCCCGCGTATGAATCTCCTGGACCCCTTCATGAAGATGACCGACGAG[CAGG>C]AGAAGGGCCTGTCCGGCGCCCCCAGCCCCACCATGTCCGAGGACTCCGCGGGCTCGCCCT-3'

ClinVar aggregate classification (germline): Uncertain significance (1 of 4 stars; one submission).

Submission:

GeneDx
Classification: Uncertain significance. Last evaluated: 2024-11-26. Review status: criteria provided, single submitter. Criteria: GeneDx Variant Classification Process June 2021. Collection method: clinical testing. Allele origin: germline. Affected: yes.
Comment: In-frame deletion of 1 amino acid(s) in a non-repeat region; Has not been previously published as pathogenic or benign to our knowledge